The following is an entry in ClinVar:

ClinVar aggregate classification (germline): Uncertain significance (1 of 4 stars; one submission).

Submission:

Women's Health and Genetics/Laboratory Corporation of America, LabCorp
Classification: Uncertain significance. Last evaluated: 2021-11-15. Review status: criteria provided, single submitter. Criteria: LabCorp Variant Classification Summary - May 2015. Collection method: clinical testing. Allele origin: germline.
Comment: Variant summary: TAF6 c.1767_1770dupCACC (p.Ala591HisfsX148) located in the last exon (exon 16) causes a frameshift which results in an extension of the protein. The variant was absent in 251006 control chromosomes. To our knowledge, no occurrence of c.1767_1770dupCACC in individuals affected with Alazami-Yuan Syndrome and no experimental evidence demonstrating its impact on protein function have been reported. Also, to our knowledge, no pathogenic variants downstream of the new stop codon have been reported. No clinical diagnostic laboratories have submitted clinical-significance assessments for this variant to ClinVar after 2014. Based on the evidence outlined above, the variant was classified as uncertain significance.

NM_139315.3(TAF6):c.1767_1770dup (p.Ala591fs)

Genes: AP4M1 (adaptor related protein complex 4 subunit mu 1; plus strand), TAF6 (TATA-box binding protein associated factor 6; minus strand). Cytogenetic location: 7q22.1.
Variant type: Duplication.
Coding change: c.1767_1770dup on transcript NM_139315.3 (MANE Select); coding-DNA positions 1767 to 1770, 4 bases duplicated (CACC; older notation c.1767_1770dupCACC).
Protein change: p.Ala591fs; shifts the reading frame from alanine 591.
Molecular consequence: frameshift variant. On other transcripts: non-coding transcript variant (1), 3 prime UTR variant (2).
Genome position (GRCh38, 1-based): chr7:100,107,510-100,107,513, GGTG duplicated on the plus strand (CACC on the coding strand, the reverse complement: TAF6 is on the minus strand); duplicating any 4 consecutive bases within chr7:100,107,510-100,107,514 gives the same sequence; the c. name uses the placement nearest the transcript's 3' end. VCF-style (leftmost placement, unchanged base first): chr7-100107509-C-CGGTG. GRCh37 (hg19) VCF-style: chr7-99705132-C-CGGTG.
Other names: c.1878_1881dup, p.Ala628fs (NM_001190415.2); c.1767_1770dup, p.Ala591fs (NM_001364998.1, NM_001364999.1, NM_005641.4); c.1737_1740dup, p.Ala581fs (NM_001365000.1, NM_001365001.1, NM_001365002.1 and 1 more transcripts); c.1905_1908dup, p.Ala637fs (NM_001365004.1); c.*629_*632dup (NM_001363671.2, NM_004722.4); short protein forms A581fs, A591fs, A628fs, A637fs.
Identifiers: ClinVar variation 1329023 (VCV001329023.1), dbSNP rs2116693457, ClinGen allele CA2573052766.